The following is an entry in ClinVar:

ClinVar aggregate classification (germline): not provided (0 of 4 stars; one submission).

Submission:

ITMI
No classification provided. Condition: AllHighlyPenetrant. Last evaluated: 2013-09-19. Review status: no classification provided. Collection method: reference population. Allele origin: germline.
Comment: Please see associated publication for description of ethnicities

Literature cited by the submitters: PubMed 24728327.

NM_001123385.2(BCOR):c.11C>T (p.Ala4Val)

Gene: BCOR (BCL6 corepressor; minus strand). Cytogenetic location: Xp11.4.
Variant type: single nucleotide variant.
Coding change: c.11C>T on transcript NM_001123385.2 (MANE Select); coding-DNA position 11, C replaced by T.
Protein change: p.Ala4Val; replaces alanine 4 with valine.
Molecular consequence: missense variant.
Genome position (GRCh38, 1-based): chrX:40,077,919, G>A on the plus strand (C>T on the coding strand, the complement: BCOR is on the minus strand). VCF-style: chrX-40077919-G-A. GRCh37 (hg19) VCF-style: chrX-39937172-G-A.
Other names: c.11C>T, p.Ala4Val (NM_001123383.2, NM_001123384.2, NM_017745.6); short protein forms A4V.
Identifiers: ClinVar variation 133677 (VCV000133677.1), dbSNP rs587778092, ClinGen allele CA157283.